The following is an entry in ClinVar:

NM_001161352.2(KCNMA1):c.3644G>A (p.Arg1215Gln)

Gene: KCNMA1 (potassium calcium-activated channel subfamily M alpha 1; minus strand). Cytogenetic location: 10q22.3.
Variant type: single nucleotide variant.
Coding change: c.3644G>A on transcript NM_001161352.2 (MANE Select); coding-DNA position 3644, G replaced by A.
Protein change: p.Arg1215Gln; replaces arginine 1215 with glutamine.
Molecular consequence: missense variant.
Genome position (GRCh38, 1-based): chr10:76,887,333, C>T on the plus strand (G>A on the coding strand, the complement: KCNMA1 is on the minus strand). VCF-style: chr10-76887333-C-T. GRCh37 (hg19) VCF-style: chr10-78647091-C-T.
Other names: c.3482G>A, p.Arg1161Gln (NM_001014797.3); c.3593G>A, p.Arg1198Gln (NM_001161353.2); c.3320G>A, p.Arg1107Gln (NM_001271518.2); c.3560G>A, p.Arg1187Gln (NM_001271519.2); c.3479G>A, p.Arg1160Gln (NM_001322829.2, NM_001322836.2); c.3572G>A, p.Arg1191Gln (NM_001322830.2); c.3470G>A, p.Arg1157Gln (NM_001322832.2, NM_002247.4); c.3563G>A, p.Arg1188Gln (NM_001322835.2, NM_001322837.2); and 1 more; short protein forms R1157Q, R1160Q, R1161Q, R1198Q, R1006Q, R1107Q, R1215Q, R1187Q.
Identifiers: ClinVar variation 1492579 (VCV001492579.10), dbSNP rs760806787, ClinGen allele CA5567797.
Genomic context (GRCh38, chr10:76,887,333, plus strand): 5'-CGCTCTTCCTGCACGTACTTCTGTTTGTCCCGGGACTCCCTGGACTTGGGCCGGTTCTGT[C>T]GGTTTGCTGTGGATGGGATGGAGTGAACAGAGGAGCTCTTCTTGCTGGAGGACTGCGACG-3'
Protein context (NP_001154824.1, residues 1205-1225): SVHSIPSTAN[Arg1215Gln]QNRPKSRESR

ClinVar aggregate classification (germline): Uncertain significance (1 of 4 stars; one submission).

Conditions:
Generalized epilepsy-paroxysmal dyskinesia syndrome (PNKD3). Also called: Paroxysmal nonkinesigenic dyskinesia, 3, with or without generalized epilepsy; Generalized epilepsy and paroxysmal dyskinesia. Identifiers: Orphanet 79137, MedGen C5574945, MONDO:0012276, OMIM 609446.

Allele frequency attached by ClinVar (database versions not stated): gnomAD exomes below 0.00001 and 0.00001; ExAC 0.00001.
gnomAD v4.1: 5 of 1,614,042 alleles (0.00031%); highest among the groups gnomAD compares: African/African-American, 0.0027%; no homozygotes.

Submission:

Labcorp Genetics (formerly Invitae), Labcorp
Classification: Uncertain significance for Generalized epilepsy-paroxysmal dyskinesia syndrome. Last evaluated: 2026-01-13. Review status: criteria provided, single submitter. Criteria: Invitae Variant Classification Sherloc (09022015). Collection method: clinical testing. Allele origin: germline.
Comment: This sequence change replaces arginine, which is basic and polar, with glutamine, which is neutral and polar, at codon 1157 of the KCNMA1 protein (p.Arg1157Gln). This variant is present in population databases (rs760806787, gnomAD 0.002%). This variant has not been reported in the literature in individuals affected with KCNMA1-related conditions. ClinVar contains an entry for this variant (Variation ID: 1492579). An algorithm developed to predict the effect of missense changes on protein structure and function (PolyPhen-2) suggests that this variant is likely to be tolerated. In summary, the available evidence is currently insufficient to determine the role of this variant in disease. Therefore, it has been classified as a Variant of Uncertain Significance.